The following is an entry in ClinVar:

ClinVar aggregate classification (germline): Uncertain significance (1 of 4 stars; one submission).

Submission:

Labcorp Genetics (formerly Invitae), Labcorp
Classification: Uncertain significance. Last evaluated: 2022-03-01. Review status: criteria provided, single submitter. Criteria: Invitae Variant Classification Sherloc (09022015). Collection method: clinical testing. Allele origin: germline.
Comment: In summary, the available evidence is currently insufficient to determine the role of this variant in disease. Therefore, it has been classified as a Variant of Uncertain Significance. Algorithms developed to predict the effect of missense changes on protein structure and function are either unavailable or do not agree on the potential impact of this missense change (SIFT: "Tolerated"; PolyPhen-2: "Probably Damaging"; Align-GVGD: "Class C0"). This variant has not been reported in the literature in individuals affected with DGKZ-related conditions. This variant is not present in population databases (gnomAD no frequency). This sequence change replaces proline, which is neutral and non-polar, with leucine, which is neutral and non-polar, at codon 79 of the DGKZ protein (p.Pro79Leu).

NM_001199267.2(DGKZ):c.162-799C>T

Gene: DGKZ (diacylglycerol kinase zeta; plus strand). Cytogenetic location: 11p11.2.
Variant type: single nucleotide variant.
Coding change: c.162-799C>T on transcript NM_001199267.2 (MANE Select); 799 bases into the intron before coding-DNA position 162, C replaced by T.
Molecular consequence: intron variant. On other transcripts: missense variant (1).
Genome position (GRCh38, 1-based): chr11:46,366,492, C>T. VCF-style: chr11-46366492-C-T. GRCh37 (hg19) VCF-style: chr11-46388042-C-T.
Other names: c.236C>T, p.Pro79Leu (NM_001105540.2); c.213-799C>T (NM_201532.3); c.177-799C>T (NM_201533.3); c.162-799C>T (NM_001199266.2, NM_003646.4, NM_001199268.2); short protein forms P79L.
Identifiers: ClinVar variation 2105330 (VCV002105330.4), dbSNP rs1943272623, ClinGen allele CA380210766.